The following is an entry in ClinVar:

NM_002439.5(MSH3):c.2496C>G (p.Asp832Glu)

Gene: MSH3 (mutS homolog 3; plus strand). Cytogenetic location: 5q14.1.
Variant type: single nucleotide variant.
Coding change: c.2496C>G on transcript NM_002439.5 (MANE Select); coding-DNA position 2496, C replaced by G.
Protein change: p.Asp832Glu; replaces aspartic acid 832 with glutamic acid.
Molecular consequence: missense variant.
Genome position (GRCh38, 1-based): chr5:80,787,625, C>G. VCF-style: chr5-80787625-C-G. GRCh37 (hg19) VCF-style: chr5-80083444-C-G.
Other names: short protein forms D832E.
Identifiers: ClinVar variation 3874977 (VCV003874977.1).

ClinVar aggregate classification (germline): Uncertain significance (1 of 4 stars; one submission).

Conditions:
Hereditary cancer-predisposing syndrome. Also called: Tumor predisposition; Neoplastic Syndromes, Hereditary; Hereditary Cancer Syndrome; Hereditary neoplastic syndrome. Identifiers: Orphanet 140162, MedGen C0027672, MeSH D009386, MONDO:0015356.

Submission:

Ambry Genetics
Classification: Uncertain significance for Hereditary cancer-predisposing syndrome. Last evaluated: 2025-01-19. Review status: criteria provided, single submitter. Criteria: Ambry Variant Classification Scheme 2023. Collection method: clinical testing. Allele origin: germline.
Comment: The p.D832E variant (also known as c.2496C>G), located in coding exon 18 of the MSH3 gene, results from a C to G substitution at nucleotide position 2496. The aspartic acid at codon 832 is replaced by glutamic acid, an amino acid with highly similar properties. This amino acid position is conserved. In addition, this alteration is predicted to be deleterious by in silico analysis. Based on the available evidence, the clinical significance of this variant remains unclear.